The following is an entry in ClinVar:

NM_006516.4(SLC2A1):c.865G>A (p.Ala289Thr)

Gene: SLC2A1 (solute carrier family 2 member 1; minus strand). Cytogenetic location: 1p34.2.
Variant type: single nucleotide variant.
Coding change: c.865G>A on transcript NM_006516.4 (MANE Select); coding-DNA position 865, G replaced by A.
Protein change: p.Ala289Thr; replaces alanine 289 with threonine.
Molecular consequence: missense variant.
Genome position (GRCh38, 1-based): chr1:42,929,595, C>T on the plus strand (G>A on the coding strand, the complement: SLC2A1 is on the minus strand). VCF-style: chr1-42929595-C-T. GRCh37 (hg19) VCF-style: chr1-43395266-C-T.
Other names: p.A289T:GCT>ACT; short protein forms A289T.
Identifiers: ClinVar variation 207198 (VCV000207198.11), dbSNP rs796053252, ClinGen allele CA318442.

ClinVar aggregate classification (germline): Conflicting classifications of pathogenicity. Review status: criteria provided, conflicting classifications (1 of 4 stars). 5 submissions from 5 submitters: Likely pathogenic (1); Uncertain significance (4). Last evaluated 2025-12-19.

Conditions:
GLUT1 deficiency syndrome 1, autosomal recessive. Identifiers: MedGen C3149117.
Encephalopathy due to GLUT1 deficiency. Also called: Glucose transporter protein syndrome; GLUT1 deficiency syndrome 1, infantile onset, severe; GLUCOSE TRANSPORT DEFECT, BLOOD-BRAIN BARRIER; De Vivo disease; GLUT1 deficiency syndrome 1; Classic Glucose Transporter Type 1 Deficiency Syndrome. Identifiers: Orphanet 71277, MedGen C4551966, MONDO:0011724, OMIM 606777.

Allele frequency attached by ClinVar (database versions not stated): gnomAD exomes below 0.00001; gnomAD 0.00001; TOPMed 0.00002.
gnomAD v4.1: 4 of 1,612,162 alleles (0.00025%); highest among the groups gnomAD compares: African/African-American, 0.0027%; no homozygotes.

Submissions (5):

Labcorp Genetics (formerly Invitae), Labcorp
Classification: Uncertain significance for GLUT1 deficiency syndrome 1, autosomal recessive. Last evaluated: 2025-12-19. Review status: criteria provided, single submitter. Criteria: Invitae Variant Classification Sherloc (09022015). Collection method: clinical testing. Allele origin: germline.
Comment: This sequence change replaces alanine, which is neutral and non-polar, with threonine, which is neutral and polar, at codon 289 of the SLC2A1 protein (p.Ala289Thr). This variant is not present in population databases (gnomAD no frequency). This variant has not been reported in the literature in individuals affected with SLC2A1-related conditions. ClinVar contains an entry for this variant (Variation ID: 207198). An algorithm developed to predict the effect of missense changes on protein structure and function (PolyPhen-2) suggests that this variant is likely to be disruptive. This variant disrupts the p.Ala289 amino acid residue in SLC2A1. Other variant(s) that disrupt this residue have been determined to be pathogenic (internal data). This suggests that this residue is clinically significant, and that variants that disrupt this residue are likely to be disease-causing. In summary, the available evidence is currently insufficient to determine the role of this variant in disease. Therefore, it has been classified as a Variant of Uncertain Significance.

GeneDx
Classification: Likely pathogenic. Last evaluated: 2025-07-11. Review status: criteria provided, single submitter. Criteria: GeneDx Variant Classification Process June 2021. Collection method: clinical testing. Allele origin: germline. Affected: yes.
Comment: Not observed at significant frequency in large population cohorts (gnomAD); In silico analysis supports that this missense variant has a deleterious effect on protein structure/function; Has not been previously published as pathogenic or benign to our knowledge; This variant is associated with the following publications: (PMID: 27467583)

3billion
Classification: Uncertain significance for Encephalopathy due to GLUT1 deficiency. Last evaluated: 2025-06-02. Review status: criteria provided, single submitter. Criteria: ACMG Guidelines, 2015. Collection method: clinical testing. Allele origin: germline. Affected: yes.
Comment: The variant is observed at an extremely low frequency in the gnomAD v4.1.0 dataset (total allele frequency: <0.001%). Predicted Consequence/Location: Missense variant In silico tool predictions suggest damaging effect of the variant on gene or gene product [REVEL: 0.82 (>=0.6, sensitivity 0.68 and specificity 0.92); 3Cnet: 0.90 (> 0.75, sensitivity 0.96 and precision 0.92)]. The same nucleotide change resulting in the same amino acid change has been previously reported to be associated with SLC2A1-related disorder (ClinVar ID: VCV000207198). Different missense changes at the same codon (p.Ala289Pro) has been reported to be associated with SLC2A1-related disorder (ClinVar ID: VCV003727500). However the evidence of pathogenicity is insufficient at this time. Therefore, this variant is classified as VUS according to the recommendation of ACMG/AMP guideline.

Blueprint Genetics
Classification: Uncertain significance. Last evaluated: 2023-09-25. Review status: criteria provided, single submitter. Criteria: ACMG Guidelines, 2015. Collection method: clinical testing. Allele origin: germline.

Laboratorio de Genetica e Diagnostico Molecular, Hospital Israelita Albert Einstein
Classification: Uncertain significance. Last evaluated: 2019-06-14. Review status: criteria provided, single submitter. Criteria: ACMG Guidelines, 2015. Collection method: clinical testing. Allele origin: germline. Affected: yes.
Comment: ACMG classification criteria: PM1, PM2, PP3